The following is an entry in ClinVar:

NM_003620.4(PPM1D):c.892G>A (p.Val298Ile)

Gene: PPM1D (protein phosphatase, Mg2+/Mn2+ dependent 1D; plus strand). Cytogenetic location: 17q23.2.
Variant type: single nucleotide variant.
Coding change: c.892G>A on transcript NM_003620.4 (MANE Select); coding-DNA position 892, G replaced by A.
Protein change: p.Val298Ile; replaces valine 298 with isoleucine.
Molecular consequence: missense variant.
Genome position (GRCh38, 1-based): chr17:60,647,957, G>A. VCF-style: chr17-60647957-G-A. GRCh37 (hg19) VCF-style: chr17-58725318-G-A.
Other names: short protein forms V298I.
Identifiers: ClinVar variation 3624565 (VCV003624565.2).

ClinVar aggregate classification (germline): Uncertain significance (1 of 4 stars; one submission).

gnomAD v4.1: 1 of 1,613,522 alleles (0.000062%); highest among the groups gnomAD compares: South Asian, 0.0011%; no homozygotes.

Submission:

Labcorp Genetics (formerly Invitae), Labcorp
Classification: Uncertain significance. Last evaluated: 2024-03-02. Review status: criteria provided, single submitter. Criteria: Invitae Variant Classification Sherloc (09022015). Collection method: clinical testing. Allele origin: germline.
Comment: This sequence change replaces valine, which is neutral and non-polar, with isoleucine, which is neutral and non-polar, at codon 298 of the PPM1D protein (p.Val298Ile). This variant is not present in population databases (gnomAD no frequency). This variant has not been reported in the literature in individuals affected with PPM1D-related conditions. An algorithm developed to predict the effect of missense changes on protein structure and function (PolyPhen-2) suggests that this variant is likely to be disruptive. In summary, the available evidence is currently insufficient to determine the role of this variant in disease. Therefore, it has been classified as a Variant of Uncertain Significance.